The following is an entry in ClinVar:

NM_003073.5(SMARCB1):c.-1A>C

Gene: SMARCB1 (SWI/SNF related BAF chromatin remodeling complex subunit B1; plus strand). Cytogenetic location: 22q11.23.
Variant type: single nucleotide variant.
Coding change: c.-1A>C on transcript NM_003073.5 (MANE Select); 1 bases upstream of the start codon, A replaced by C.
Molecular consequence: 5 prime UTR variant.
Genome position (GRCh38, 1-based): chr22:23,787,169, A>C. VCF-style: chr22-23787169-A-C. GRCh37 (hg19) VCF-style: chr22-24129356-A-C.
Other names: c.-1A>C (NM_001007468.3, NM_001317946.2, NM_001362877.2).
Identifiers: ClinVar variation 2482263 (VCV002482263.3), dbSNP rs2517652376, ClinGen allele CA2580099251.
Genomic context (GRCh38, chr22:23,787,169, plus strand): 5'-CCCGCCCCAGCCCTCCTGATCCCTCGCAGCCCGGCTCCGGCCGCCCGCCTCTGCCGCCGC[A>C]ATGATGATGATGGCGCTGAGCAAGACCTTCGGGCAGAAGCCCGTGAAGTTCCAGCTGGAG-3'

ClinVar aggregate classification (germline): Uncertain significance (1 of 4 stars; one submission).

Conditions:
Hereditary cancer-predisposing syndrome. Also called: Neoplastic Syndromes, Hereditary; Hereditary neoplastic syndrome; Tumor predisposition; Hereditary Cancer Syndrome. Identifiers: Orphanet 140162, MedGen C0027672, MeSH D009386, MONDO:0015356.

Submission:

Ambry Genetics
Classification: Uncertain significance for Hereditary cancer-predisposing syndrome. Last evaluated: 2025-08-29. Review status: criteria provided, single submitter. Criteria: Ambry Variant Classification Scheme 2023. Collection method: clinical testing. Allele origin: germline.
Comment: The c.-1A>C variant is located in the 5' untranslated region (5&rsquo; UTR) of the SMARCB1 gene. This variant results from an A to C substitution 1 bases upstream from the first translated codon. This nucleotide position is not well conserved in available vertebrate species. This variant was detected in multiple individuals with no reported features of SMARCB1-related Coffin-Siris syndrome (Ambry internal data). Based on the supporting evidence, the association of this alteration with SMARCB1-related tumor predisposition syndrome is unknown; however, the association of this alteration with Coffin-Siris syndrome is unlikely.